The following is an entry in ClinVar:

NM_004655.4(AXIN2):c.-3A>G

Gene: AXIN2 (axin 2; minus strand). Cytogenetic location: 17q24.1.
Variant type: single nucleotide variant.
Coding change: c.-3A>G on transcript NM_004655.4 (MANE Select); 3 bases upstream of the start codon, A replaced by G.
Molecular consequence: 5 prime UTR variant.
Genome position (GRCh38, 1-based): chr17:65,558,623, T>C on the plus strand (A>G on the coding strand, the complement: AXIN2 is on the minus strand). VCF-style: chr17-65558623-T-C. GRCh37 (hg19) VCF-style: chr17-63554741-T-C.
Other names: c.-3A>G (NM_001363813.1, LRG_296t1).
Identifiers: ClinVar variation 386270 (VCV000386270.1), dbSNP rs1057522465, ClinGen allele CA16608612.

ClinVar aggregate classification (germline): Likely benign (1 of 4 stars; one submission).

Allele frequency attached by ClinVar (database versions not stated): gnomAD exomes below 0.00001.
gnomAD v4.1: 2 of 1,604,668 alleles (0.00012%); highest among the groups gnomAD compares: Non-Finnish European, 0.00017%; no homozygotes.

Submission:

GeneDx
Classification: Likely benign. Last evaluated: 2016-05-13. Review status: criteria provided, single submitter. Criteria: GeneDx Variant Classification (06012015). Collection method: clinical testing. Allele origin: germline. Affected: yes.
Comment: This variant is considered likely benign or benign based on one or more of the following criteria: it is a conservative change, it occurs at a poorly conserved position in the protein, it is predicted to be benign by multiple in silico algorithms, and/or has population frequency not consistent with disease.